The following is an entry in ClinVar:

NM_173660.5(DOK7):c.1244C>T (p.Pro415Leu)

Gene: DOK7 (docking protein 7; plus strand). Cytogenetic location: 4p16.3.
Variant type: single nucleotide variant.
Coding change: c.1244C>T on transcript NM_173660.5 (MANE Select); coding-DNA position 1244, C replaced by T.
Protein change: p.Pro415Leu; replaces proline 415 with leucine.
Molecular consequence: missense variant. On other transcripts: 3 prime UTR variant (1).
Genome position (GRCh38, 1-based): chr4:3,493,230, C>T. VCF-style: chr4-3493230-C-T. GRCh37 (hg19) VCF-style: chr4-3494957-C-T.
Other names: c.*465C>T (NM_001164673.2); c.314C>T, p.Pro105Leu (NM_001256896.2); c.1244C>T, p.Pro415Leu (NM_001301071.2); c.812C>T, p.Pro271Leu (NM_001363811.2); short protein forms P105L, P271L, P415L.
Identifiers: ClinVar variation 3762824 (VCV003762824.1).
Genomic context (GRCh38, chr4:3,493,230, plus strand): 5'-ACCAGGTGCCCACCTCCCTGCGGGCCCACTATGACACACCACGCAGCCTTTGCCTGGCTC[C>T]TAGAGACCACAGCCCCCCCTCACAGGGCAGCCCCGGCAACAGTGCGGCCAGGGACTCAGG-3'
Protein context (NP_775931.3, residues 405-425): YDTPRSLCLA[Pro415Leu]RDHSPPSQGS

ClinVar aggregate classification (germline): Uncertain significance (1 of 4 stars; one submission).

Conditions:
Fetal akinesia deformation sequence 1 (FADS1). Also called: Pena-Shokeir syndrome type I; Fetal akinesia sequence. Identifiers: Orphanet 994, MedGen C1276035, MONDO:0100101, OMIM 208150, HP:0001989.
Congenital myasthenic syndrome 10. Also called: Myasthenia, limb-girdle, familial. Identifiers: Orphanet 590, MedGen C1850792, MONDO:0009690, OMIM 254300.

gnomAD v4.1: 9 of 1,611,940 alleles (0.00056%); highest among the groups gnomAD compares: African/African-American, 0.0013%; no homozygotes.

Submission:

Labcorp Genetics (formerly Invitae), Labcorp
Classification: Uncertain significance for Congenital myasthenic syndrome 10; Fetal akinesia deformation sequence 1. Last evaluated: 2024-03-11. Review status: criteria provided, single submitter. Criteria: Invitae Variant Classification Sherloc (09022015). Collection method: clinical testing. Allele origin: germline.
Comment: This sequence change replaces proline, which is neutral and non-polar, with leucine, which is neutral and non-polar, at codon 415 of the DOK7 protein (p.Pro415Leu). This variant is not present in population databases (gnomAD no frequency). This variant has not been reported in the literature in individuals affected with DOK7-related conditions. Advanced modeling of protein sequence and biophysical properties (such as structural, functional, and spatial information, amino acid conservation, physicochemical variation, residue mobility, and thermodynamic stability) performed at Invitae indicates that this missense variant is not expected to disrupt DOK7 protein function with a negative predictive value of 80%. In summary, the available evidence is currently insufficient to determine the role of this variant in disease. Therefore, it has been classified as a Variant of Uncertain Significance.